The following is an entry in ClinVar:

NM_000038.6(APC):c.834+2665A>G

Gene: APC (APC regulator of WNT signaling pathway; plus strand). Cytogenetic location: 5q22.2.
Variant type: single nucleotide variant.
Coding change: c.834+2665A>G on transcript NM_000038.6 (MANE Select); 2665 bases into the intron after coding-DNA position 834, A replaced by G.
Molecular consequence: intron variant.
Genome position (GRCh38, 1-based): chr5:112,804,048, A>G. VCF-style: chr5-112804048-A-G. GRCh37 (hg19) VCF-style: chr5-112139745-A-G.
Other names: c.834+2665A>G (NM_001354895.2, NM_001127510.3, NM_001354896.2 and 1 more transcripts); c.864+2665A>G (NM_001354897.2, NM_001354902.2); c.780+2665A>G (NM_001127511.3); c.759+2665A>G (NM_001354898.2, NM_001354904.2); c.-202+2665A>G (NM_001354906.2); c.750+2665A>G (NM_001354899.2); c.657+2665A>G (NM_001354900.2, NM_001354901.2, NM_001354905.2).
Identifiers: ClinVar variation 83049 (VCV000083049.2), dbSNP rs2545158, ClinGen allele CA014663.
Genomic context (GRCh38, chr5:112,804,048, plus strand): 5'-ACAATATTTGCCCACATTTCTCACCACTCCCTCAACTTCAACTTCTTCAGTTCCTTGAGT[A>G]TGTCCAGGCCTTCCACAGGACATTCCTTTGGTCTAAAACTGTCTTCTGCTTCAGTTCATA-3'

ClinVar aggregate classification (germline): other (0 of 4 stars; one submission).

Conditions:
Familial colorectal cancer. Identifiers: MedGen CN280943, MONDO:0023113. Disease mechanism: loss of function.

Allele frequency attached by ClinVar (database versions not stated): gnomAD 0.38045 and 0.39391; TOPMed 0.40104; 1000 Genomes Project 30x 0.43270; 1000 Genomes Project 0.43810.
gnomAD v4.1: 60,050 of 151,948 alleles (40%); highest among the groups gnomAD compares: East Asian, 69%; 14,344 homozygotes.

Submission:

Systems Biology Platform Zhejiang California International NanoSystems Institute
Classification: other for Familial colorectal cancer. Review status: no assertion criteria provided. Collection method: not provided. Allele origin: unknown.
ClinVar note: Converted during submission from cancer to other.